The following is an entry in ClinVar:

ClinVar aggregate classification (germline): Uncertain significance (1 of 4 stars; one submission).

Conditions:
Optic atrophy 11 (OPA11). Identifiers: MedGen C4310628, MONDO:0015011, OMIM 617302.

Submission:

Juno Genomics, Hangzhou Juno Genomics, Inc
Classification: Uncertain significance for Optic atrophy 11. Review status: criteria provided, single submitter. Criteria: ACMG Guidelines, 2015. Collection method: clinical testing. Allele origin: germline.
Comment: Absent from controls (or at extremely low frequency if recessive) in Genome Aggregation Database.;Missense variant in a gene that has a low rate of benign missense variation.;Multiple lines of computational evidence support a deleterious effect on the gene or gene product.

NM_014263.4(YME1L1):c.1768C>G (p.Leu590Val)

Gene: YME1L1 (YME1 like 1 ATPase; minus strand). Cytogenetic location: 10p12.1.
Variant type: single nucleotide variant.
Coding change: c.1768C>G on transcript NM_014263.4 (MANE Select); coding-DNA position 1768, C replaced by G.
Protein change: p.Leu590Val; replaces leucine 590 with valine.
Molecular consequence: missense variant.
Genome position (GRCh38, 1-based): chr10:27,116,297, G>C on the plus strand (C>G on the coding strand, the complement: YME1L1 is on the minus strand). VCF-style: chr10-27116297-G-C. GRCh37 (hg19) VCF-style: chr10-27405226-G-C.
Other names: c.1669C>G, p.Leu557Val (NM_001253866.2); c.1939C>G, p.Leu647Val (NM_139312.3); short protein forms L590V, L557V, L647V.
Identifiers: ClinVar variation 5007704 (VCV005007704.2).